The following is an entry in ClinVar:

NM_000038.6(APC):c.-19+8470A>C

Gene: APC (APC regulator of WNT signaling pathway; plus strand). Cytogenetic location: 5q22.2.
Variant type: single nucleotide variant.
Coding change: c.-19+8470A>C on transcript NM_000038.6 (MANE Select); 8470 bases into the intron after 19 bases upstream of the start codon, A replaced by C.
Molecular consequence: intron variant.
Genome position (GRCh38, 1-based): chr5:112,746,395, A>C. VCF-style: chr5-112746395-A-C. GRCh37 (hg19) VCF-style: chr5-112082092-A-C.
Other names: c.-18-8478A>C (NM_001354895.2); c.166-19931A>C (NM_001354897.2, NM_001354902.2, NM_001127511.3); c.-19+7935A>C (NM_001127510.3); c.60+7935A>C (NM_001354898.2, NM_001354904.2); c.-1054+8470A>C (NM_001354906.2); c.-19+8470A>C (NM_001354896.2, NM_001354903.2, NM_001354899.2); c.-43+8470A>C (NM_001354900.2, NM_001354901.2, NM_001354905.2).
Identifiers: ClinVar variation 82783 (VCV000082783.2), dbSNP rs74581427, ClinGen allele CA007115.

ClinVar aggregate classification (germline): other (0 of 4 stars; one submission).

Conditions:
Familial colorectal cancer. Identifiers: MedGen CN280943, MONDO:0023113. Disease mechanism: loss of function.

Submission:

Systems Biology Platform Zhejiang California International NanoSystems Institute
Classification: other for Familial colorectal cancer. Review status: no assertion criteria provided. Collection method: not provided. Allele origin: unknown.
ClinVar note: Converted during submission from cancer to other.